The following is an entry in ClinVar:

NM_004132.5(HABP2):c.568+9C>T

Gene: HABP2 (hyaluronan binding protein 2; plus strand). Cytogenetic location: 10q25.3.
Variant type: single nucleotide variant.
Coding change: c.568+9C>T on transcript NM_004132.5 (MANE Select); 9 bases into the intron after coding-DNA position 568, C replaced by T.
Molecular consequence: intron variant.
Genome position (GRCh38, 1-based): chr10:113,578,154, C>T. VCF-style: chr10-113578154-C-T. GRCh37 (hg19) VCF-style: chr10-115337913-C-T.
Other names: c.490+9C>T (NM_001177660.3).
Identifiers: ClinVar variation 298905 (VCV000298905.9), dbSNP rs11575755, ClinGen allele CA5693669.
Genomic context (GRCh38, chr10:113,578,154, plus strand): 5'-AAGTTCACCTGTGCCTGTCCCGACCAGTTCAAGGGGAAATTCTGTGAAATAGGTATGGGT[C>T]TCTGCCACCATCAGGGCCACAAGTGAGGCCTCTGGAACCCTTTCCTCTCTGGGTTTTGTT-3'

ClinVar aggregate classification (germline): Benign/Likely benign. Review status: criteria provided, multiple submitters, no conflicts (2 of 4 stars). 3 submissions from 3 submitters: Benign (1); Likely benign (2). Last evaluated 2021-05-26.

Conditions:
Factor VII-activating protease marburg I. Identifiers: MedGen CN068943.

Allele frequency attached by ClinVar (database versions not stated): gnomAD exomes 0.00071 and 0.00189; ExAC 0.00236; gnomAD 0.00734 and 0.00801; 1000 Genomes Project 0.00759; TOPMed 0.00825; 1000 Genomes Project 30x 0.00921; ESP Exome Variant Server 0.01007.
gnomAD v4.1: 2,199 of 1,613,882 alleles (0.14%); highest among the groups gnomAD compares: African/African-American, 2.5%; 22 homozygotes.

Submissions (3):

GeneDx
Classification: Likely benign. Last evaluated: 2021-05-26. Review status: criteria provided, single submitter. Criteria: GeneDx Variant Classification Process June 2021. Collection method: clinical testing. Allele origin: germline. Affected: yes.
Comment: See Variant Classification Assertion Criteria.

Labcorp Genetics (formerly Invitae), Labcorp
Classification: Benign. Last evaluated: 2018-07-13. Review status: criteria provided, single submitter. Criteria: Invitae Variant Classification Sherloc (09022015). Collection method: clinical testing. Allele origin: germline.

Illumina Laboratory Services, Illumina
Classification: Likely benign for Factor VII Marburg I Variant Thrombophilia. Last evaluated: 2017-04-27. Review status: criteria provided, single submitter. Criteria: ICSL Variant Classification Criteria 13 December 2019. Collection method: clinical testing. Allele origin: germline.
Comment: This variant was observed as part of a predisposition screen in an ostensibly healthy population. A literature search was performed for the gene, cDNA change, and amino acid change (where applicable). No publications were found based on this search. Allele frequency data from public databases allowed determination this variant is unlikely to cause disease. Therefore, this variant is classified as likely benign.